The following is an entry in ClinVar:

ClinVar aggregate classification (germline): Uncertain significance (1 of 4 stars; one submission).

Conditions:
Hereditary cancer-predisposing syndrome. Also called: Hereditary Cancer Syndrome; Tumor predisposition; Hereditary neoplastic syndrome; Neoplastic Syndromes, Hereditary. Identifiers: Orphanet 140162, MedGen C0027672, MeSH D009386, MONDO:0015356.

Submission:

Ambry Genetics
Classification: Uncertain significance for Hereditary cancer-predisposing syndrome. Last evaluated: 2024-09-17. Review status: criteria provided, single submitter. Criteria: Ambry Variant Classification Scheme 2023. Collection method: clinical testing. Allele origin: germline.
Comment: The p.L1015F variant (also known as c.3045G>T), located in coding exon 4 of the MSH6 gene, results from a G to T substitution at nucleotide position 3045. The leucine at codon 1015 is replaced by phenylalanine, an amino acid with highly similar properties. This amino acid position is highly conserved through mammals but not in all available vertebrate species. In addition, this alteration is predicted to be tolerated by in silico analysis. Based on the available evidence, the clinical significance of this variant remains unclear.

NM_000179.3(MSH6):c.3045G>T (p.Leu1015Phe)

Gene: MSH6 (mutS homolog 6; plus strand). Cytogenetic location: 2p16.3.
Variant type: single nucleotide variant.
Coding change: c.3045G>T on transcript NM_000179.3 (MANE Select); coding-DNA position 3045, G replaced by T.
Protein change: p.Leu1015Phe; replaces leucine 1015 with phenylalanine.
Molecular consequence: missense variant. On other transcripts: non-coding transcript variant (5), intron variant (2).
Genome position (GRCh38, 1-based): chr2:47,801,028, G>T. VCF-style: chr2-47801028-G-T. GRCh37 (hg19) VCF-style: chr2-48028167-G-T.
Other names: c.2655G>T, p.Leu885Phe (NM_001281492.2); c.2139G>T, p.Leu713Phe (NM_001281493.2, NM_001281494.2, NM_001406811.1 and 6 more transcripts); c.3141G>T, p.Leu1047Phe (NM_001406795.1, NM_001406802.1); c.3045G>T, p.Leu1015Phe (NM_001406796.1, NM_001406798.1, NM_001406800.1 and 2 more transcripts); c.2748G>T, p.Leu916Phe (NM_001406797.1, NM_001406801.1, NM_001406805.1 and 10 more transcripts); c.2520G>T, p.Leu840Phe (NM_001406799.1, NM_001406806.1, NM_001406807.1); c.2967G>T, p.Leu989Phe (NM_001406804.1); c.3051G>T, p.Leu1017Phe (NM_001406813.1); and 4 more; short protein forms L916F, L1015F, L713F, L959F, L330F, L840F, L885F, L989F.
Identifiers: ClinVar variation 3398910 (VCV003398910.1).